The following is an entry in ClinVar:

NM_001080.3(ALDH5A1):c.1197C>T (p.Ala399=)

Gene: ALDH5A1 (aldehyde dehydrogenase 5 family member A1; plus strand). Cytogenetic location: 6p22.3.
Variant type: single nucleotide variant.
Coding change: c.1197C>T on transcript NM_001080.3 (MANE Select); coding-DNA position 1197, C replaced by T.
Protein change: p.Ala399=; no amino-acid change (alanine 399 retained).
Molecular consequence: synonymous variant.
Genome position (GRCh38, 1-based): chr6:24,528,020, C>T. VCF-style: chr6-24528020-C-T. GRCh37 (hg19) VCF-style: chr6-24528248-C-T.
Other names: c.1053C>T, p.Ala351= (NM_001368954.1); c.1236C>T, p.Ala412= (NM_170740.1).
Identifiers: ClinVar variation 1132515 (VCV001132515.11), dbSNP rs747534238, ClinGen allele CA448787427.

ClinVar aggregate classification (germline): Likely benign. Review status: criteria provided, multiple submitters, no conflicts (2 of 4 stars). 3 submissions from 3 submitters: Likely benign (3). Last evaluated 2026-08-23.

Conditions:
Succinate-semialdehyde dehydrogenase deficiency (SSADHD). Also called: 4-HYDROXYBUTYRIC ACIDURIA; Succinic Semialdehyde Dehydrogenase Deficiency; GABA METABOLIC DEFECT; SSADH DEFICIENCY. Identifiers: Orphanet 22, MedGen C0268631, MONDO:0010083, OMIM 271980.
ALDH5A1-related disorder. Also called: ALDH5A1-related condition.

Allele frequency attached by ClinVar (database versions not stated): gnomAD 0.00001; TOPMed 0.00001.
gnomAD v4.1: 10 of 1,613,854 alleles (0.00062%); highest among the groups gnomAD compares: Non-Finnish European, 0.00085%; no homozygotes.

Submissions (3):

PreventionGenetics, part of Exact Sciences
Classification: Likely benign for ALDH5A1-related condition. Last evaluated: 2026-08-23. Review status: criteria provided, single submitter. Criteria: ACMG Guidelines, 2015. Collection method: clinical testing. Allele origin: germline.
Comment: This variant is classified as likely benign based on ACMG/AMP sequence variant interpretation guidelines (Richards et al. 2015 PMID: 25741868, with internal and published modifications).

Labcorp Genetics (formerly Invitae), Labcorp
Classification: Likely benign for Succinate-semialdehyde dehydrogenase deficiency. Last evaluated: 2024-10-09. Review status: criteria provided, single submitter. Criteria: Invitae Variant Classification Sherloc (09022015). Collection method: clinical testing. Allele origin: germline.

Blueprint Genetics
Classification: Likely benign. Last evaluated: 2022-02-24. Review status: criteria provided, single submitter. Criteria: ACMG Guidelines, 2015. Collection method: clinical testing. Allele origin: germline.